The following is an entry in ClinVar:

NM_001330360.2(POLA1):c.721G>T (p.Val241Phe)

Gene: POLA1 (DNA polymerase alpha 1, catalytic subunit; plus strand). Cytogenetic location: Xp22.11.
Variant type: single nucleotide variant.
Coding change: c.721G>T on transcript NM_001330360.2 (MANE Select); coding-DNA position 721, G replaced by T.
Protein change: p.Val241Phe; replaces valine 241 with phenylalanine.
Molecular consequence: missense variant. On other transcripts: non-coding transcript variant (2).
Genome position (GRCh38, 1-based): chrX:24,717,304, G>T. VCF-style: chrX-24717304-G-T. GRCh37 (hg19) VCF-style: chrX-24735421-G-T.
Other names: c.721G>T, p.Val241Phe (NM_001378303.1); c.703G>T, p.Val235Phe (NM_016937.4); c.703G>T (NM_016937.3); short protein forms V241F, V235F.
Identifiers: ClinVar variation 1352213 (VCV001352213.9), dbSNP rs372776800, ClinGen allele CA10372857.
Genomic context (GRCh38, chrX:24,717,304, plus strand): 5'-TGTCATCGCAATAACACATGACAAGAATGTGTGATGATGCCTACAGGCGATGATGTACAG[G>T]TCGAGAGTACAGAAGAAGAGCAGGAGTCAGGGGCAATGGAGTTTGAAGATGGTGACTTTG-3'
Protein context (NP_001317289.1, residues 231-251): RAEFAGDDVQ[Val241Phe]ESTEEEQESG

ClinVar aggregate classification (germline): Uncertain significance. Review status: criteria provided, multiple submitters, no conflicts (2 of 4 stars). 2 submissions from 2 submitters: Uncertain significance (2). Last evaluated 2025-03-27.

Conditions:
Inborn genetic diseases. Identifiers: MedGen C0950123, MeSH D030342.

Allele frequency attached by ClinVar (database versions not stated): ExAC 0.00001; gnomAD exomes 0.00001; TOPMed 0.00001; ESP Exome Variant Server 0.00009.
gnomAD v4.1: 24 of 1,208,694 alleles (0.002%); highest among the groups gnomAD compares: Non-Finnish European, 0.0027%; no homozygotes.

Submissions (2):

Labcorp Genetics (formerly Invitae), Labcorp
Classification: Uncertain significance. Last evaluated: 2025-03-27. Review status: criteria provided, single submitter. Criteria: Invitae Variant Classification Sherloc (09022015). Collection method: clinical testing. Allele origin: germline.
Comment: This sequence change replaces valine, which is neutral and non-polar, with phenylalanine, which is neutral and non-polar, at codon 235 of the POLA1 protein (p.Val235Phe). The frequency data for this variant in the population databases is considered unreliable, as metrics indicate poor data quality at this position in the gnomAD database. This variant has not been reported in the literature in individuals affected with POLA1-related conditions. ClinVar contains an entry for this variant (Variation ID: 1352213). An algorithm developed to predict the effect of missense changes on protein structure and function (PolyPhen-2) suggests that this variant is likely to be tolerated. In summary, the available evidence is currently insufficient to determine the role of this variant in disease. Therefore, it has been classified as a Variant of Uncertain Significance.

Ambry Genetics
Classification: Uncertain significance for Inborn genetic diseases. Last evaluated: 2024-12-12. Review status: criteria provided, single submitter. Criteria: Ambry Variant Classification Scheme 2023. Collection method: clinical testing. Allele origin: germline.